The following is an entry in ClinVar:

ClinVar aggregate classification (germline): Benign. Review status: criteria provided, multiple submitters, no conflicts (2 of 4 stars). 3 submissions from 3 submitters: Benign (2). 1 of the submissions does not count toward it. Last evaluated 2019-12-31.

Conditions:
PLXND1-related disorder. Also called: PLXND1-related condition.

Allele frequency attached by ClinVar (database versions not stated): 1000 Genomes Project 30x 0.00016; 1000 Genomes Project 0.00020; ESP Exome Variant Server 0.00031; TOPMed 0.00036; gnomAD exomes 0.00090 and 0.00150; gnomAD 0.00140 and 0.00150; ExAC 0.00152.
gnomAD v4.1: 1,518 of 1,614,172 alleles (0.094%); highest among the groups gnomAD compares: Non-Finnish European, 0.064%; 7 homozygotes.

Submissions (5):

Labcorp Genetics (formerly Invitae), Labcorp
Classification: Benign. Last evaluated: 2019-12-31. Review status: criteria provided, single submitter. Criteria: Invitae Variant Classification Sherloc (09022015). Collection method: clinical testing. Allele origin: germline.

Breakthrough Genomics
Classification: Benign. Review status: criteria provided, single submitter. Criteria: ACMG Guidelines, 2015. Collection method: not provided. Allele origin: germline. Inheritance: Unknown mechanism. Affected: yes.

PreventionGenetics, part of Exact Sciences
Classification: Benign for PLXND1-related condition. Last evaluated: 2019-07-15. Review status: no assertion criteria provided. Collection method: clinical testing. Allele origin: germline. Not counted in ClinVar's aggregate classification.
Comment: This variant is classified as benign based on ACMG/AMP sequence variant interpretation guidelines (Richards et al. 2015 PMID: 25741868, with internal and published modifications).

Dr. Peter K. Rogan Lab, Western University
No classification provided (evidence only). Condition: Acute myeloid leukemia. Review status: no classification provided. Collection method: in vitro. Allele origin: not applicable. Functional consequence: retained intron. Not counted in ClinVar's aggregate classification.

Dr. Peter K. Rogan Lab, Western University
No classification provided (evidence only). Condition: Uterine carcinosarcoma. Review status: no classification provided. Collection method: in vitro. Allele origin: not applicable. Functional consequence: retained intron. Not counted in ClinVar's aggregate classification.

NM_015103.3(PLXND1):c.3641G>A (p.Arg1214Gln)

Gene: PLXND1 (plexin D1; minus strand). Cytogenetic location: 3q22.1.
Variant type: single nucleotide variant.
Coding change: c.3641G>A on transcript NM_015103.3 (MANE Select); coding-DNA position 3641, G replaced by A.
Protein change: p.Arg1214Gln; replaces arginine 1214 with glutamine.
Molecular consequence: missense variant.
Genome position (GRCh38, 1-based): chr3:129,570,895, C>T on the plus strand (G>A on the coding strand, the complement: PLXND1 is on the minus strand). VCF-style: chr3-129570895-C-T. GRCh37 (hg19) VCF-style: chr3-129289738-C-T.
Other names: NC_000003.11:g.129289738C>T; short protein forms R1214Q.
Identifiers: ClinVar variation 723284 (VCV000723284.8), dbSNP rs147110369, ClinGen allele CA2608517.